The following is an entry in ClinVar:

NM_000138.5(FBN1):c.7238G>A (p.Cys2413Tyr)

Gene: FBN1 (fibrillin 1; minus strand). Cytogenetic location: 15q21.1.
Variant type: single nucleotide variant.
Coding change: c.7238G>A on transcript NM_000138.5 (MANE Select); coding-DNA position 7238, G replaced by A.
Protein change: p.Cys2413Tyr; replaces cysteine 2413 with tyrosine.
Molecular consequence: missense variant.
Genome position (GRCh38, 1-based): chr15:48,425,831, C>T on the plus strand (G>A on the coding strand, the complement: FBN1 is on the minus strand). VCF-style: chr15-48425831-C-T. GRCh37 (hg19) VCF-style: chr15-48718028-C-T.
Other names: short protein forms C2413Y.
Identifiers: ClinVar variation 1367185 (VCV001367185.8), dbSNP rs1566892915, ClinGen allele CA392328782.

ClinVar aggregate classification (germline): Pathogenic (1 of 4 stars; one submission).

Conditions:
Marfan syndrome (MFS). Also called: Marfan syndrome type 1; Marfan's syndrome; FBN1-Related Marfan Syndrome; MARFAN SYNDROME, TYPE I; Marfan syndrome, classic. Identifiers: Orphanet 284963, Orphanet 558, MedGen C0024796, MONDO:0007947, OMIM 154700.
Familial thoracic aortic aneurysm and aortic dissection (TAAD). Also called: Thoracic aortic aneurysms and dissections. Identifiers: Orphanet 91387, MedGen C4707243, MONDO:0019625.

Submission:

Labcorp Genetics (formerly Invitae), Labcorp
Classification: Pathogenic for Marfan syndrome; Familial thoracic aortic aneurysm and aortic dissection. Last evaluated: 2023-10-23. Review status: criteria provided, single submitter. Criteria: Invitae Variant Classification Sherloc (09022015). Collection method: clinical testing. Allele origin: germline.
Comment: This sequence change replaces cysteine, which is neutral and slightly polar, with tyrosine, which is neutral and polar, at codon 2413 of the FBN1 protein (p.Cys2413Tyr). This variant is not present in population databases (gnomAD no frequency). This missense change has been observed in individual(s) with clinical features of FBN1-related conditions (PMID: 31098894, 31279664, 34498425). ClinVar contains an entry for this variant (Variation ID: 1367185). Advanced modeling of protein sequence and biophysical properties (such as structural, functional, and spatial information, amino acid conservation, physicochemical variation, residue mobility, and thermodynamic stability) performed at Invitae indicates that this missense variant is expected to disrupt FBN1 protein function with a positive predictive value of 95%. This variant affects a cysteine residue in the EGF-like, TGFBP or hybrid motif domains of FBN1. Cysteine residues are believed to be involved in intramolecular disulfide bridges and have been shown to be important for FBN1 protein structure (PMID: 16905551, 19349279). In addition, missense substitutions affecting cysteine residues within these domains are significantly overrepresented among patients with Marfan syndrome (PMID: 16571647, 17701892). For these reasons, this variant has been classified as Pathogenic.

Literature cited by the submitters: PubMed 31098894; PubMed 31279664; PubMed 34498425; PubMed 16905551; PubMed 19349279; PubMed 16571647; PubMed 17701892.